The following is an entry in ClinVar:

ClinVar aggregate classification (germline): Uncertain significance (1 of 4 stars; one submission).

Conditions:
Inborn genetic diseases. Identifiers: MedGen C0950123, MeSH D030342.

Submission:

Ambry Genetics
Classification: Uncertain significance for Inborn genetic diseases. Last evaluated: 2025-03-30. Review status: criteria provided, single submitter. Criteria: Ambry Variant Classification Scheme 2023. Collection method: clinical testing. Allele origin: germline.
Comment: The p.Y48S variant (also known as c.143A>C), located in coding exon 1 of the G6PC3 gene, results from an A to C substitution at nucleotide position 143. The tyrosine at codon 48 is replaced by serine, an amino acid with dissimilar properties. This amino acid position is conserved. In addition, the in silico prediction for this alteration is inconclusive. Based on the available evidence, the clinical significance of this variant remains unclear.

NM_138387.4(G6PC3):c.143A>C (p.Tyr48Ser)

Genes: G6PC3 (glucose-6-phosphatase catalytic subunit 3; plus strand), LOC130060959 (ATAC-STARR-seq lymphoblastoid active region 12250; plus strand). Cytogenetic location: 17q21.31.
Variant type: single nucleotide variant.
Coding change: c.143A>C on transcript NM_138387.4 (MANE Select); coding-DNA position 143, A replaced by C.
Protein change: p.Tyr48Ser; replaces tyrosine 48 with serine.
Molecular consequence: missense variant. On other transcripts: 5 prime UTR variant (3), intron variant (1).
Genome position (GRCh38, 1-based): chr17:44,071,108, A>C. VCF-style: chr17-44071108-A-C. GRCh37 (hg19) VCF-style: chr17-42148476-A-C.
Other names: c.143A>C, p.Tyr48Ser (NM_001319945.2); c.-262A>C (NM_001384165.1); c.-397A>C (NM_001384166.1); c.-387A>C (NM_001384167.1); c.-312+394A>C (NM_001384168.1); short protein forms Y48S.
Identifiers: ClinVar variation 4027572 (VCV004027572.1).
Genomic context (GRCh38, chr17:44,071,108, plus strand): 5'-GGATCACCTTTCTGGGCGATCCCAAGATCCTCTTTCTGTTCTACTTCCCCGCGGCCTACT[A>C]CGCCTCCCGCCGTGTGGGCATCGCGGTGCTCTGGATCAGCCTCATCACCGAGTGGCTCAA-3'
Protein context (NP_612396.1, residues 38-58): LFLFYFPAAY[Tyr48Ser]ASRRVGIAVL